The following is an entry in ClinVar:

ClinVar aggregate classification (germline): Benign/Likely benign. Review status: criteria provided, multiple submitters, no conflicts (2 of 4 stars). 3 submissions from 3 submitters: Benign (1); Likely benign (2). Last evaluated 2025-05-23.

Conditions:
Cardiovascular phenotype. Identifiers: MedGen CN230736.
Danon disease. Also called: Glycogen Storage Disease Type IIb; ANTOPOL DISEASE; PSEUDOGLYCOGENOSIS II; GSD IIb; LYSOSOMAL GLYCOGEN STORAGE DISEASE WITHOUT ACID MALTASE DEFICIENCY. Identifiers: Orphanet 34587, MedGen C0878677, MONDO:0010281, OMIM 300257.

Allele frequency attached by ClinVar (database versions not stated): TOPMed 0.00001; ExAC 0.00002; gnomAD 0.00003 and 0.00004; gnomAD exomes 0.00003; 1000 Genomes Project 0.00026; 1000 Genomes Project 30x 0.00042.
gnomAD v4.1: 9 of 1,207,924 alleles (0.00075%); highest among the groups gnomAD compares: African/African-American, 0.0053%; no homozygotes.

Submissions (3):

Labcorp Genetics (formerly Invitae), Labcorp
Classification: Benign for Danon disease. Last evaluated: 2025-05-23. Review status: criteria provided, single submitter. Criteria: Invitae Variant Classification Sherloc (09022015). Collection method: clinical testing. Allele origin: germline.

CeGaT Center for Human Genetics Tuebingen
Classification: Likely benign. Last evaluated: 2023-04-01. Review status: criteria provided, single submitter. Criteria: CeGaT Center For Human Genetics Tuebingen Variant Classification Criteria Version 2. Collection method: clinical testing. Allele origin: germline. Affected: yes. Observed: 1 variant allele.
Comment: LAMP2: BP4, BP7, BS2

Ambry Genetics
Classification: Likely benign for Cardiovascular phenotype. Last evaluated: 2019-06-10. Review status: criteria provided, single submitter. Criteria: Ambry Variant Classification Scheme 2023. Collection method: clinical testing. Allele origin: germline.

NM_002294.3(LAMP2):c.300G>A (p.Ala100=)

Gene: LAMP2 (lysosome associated membrane protein 2; minus strand). Cytogenetic location: Xq24.
Variant type: single nucleotide variant.
Coding change: c.300G>A on transcript NM_002294.3 (MANE Select); coding-DNA position 300, G replaced by A.
Protein change: p.Ala100=; no amino-acid change (alanine 100 retained).
Molecular consequence: synonymous variant.
Genome position (GRCh38, 1-based): chrX:120,455,454, C>T on the plus strand (G>A on the coding strand, the complement: LAMP2 is on the minus strand). VCF-style: chrX-120455454-C-T. GRCh37 (hg19) VCF-style: chrX-119589309-C-T.
Other names: c.300G>A, p.Ala100= (NM_001122606.1, NM_013995.2).
Identifiers: ClinVar variation 706231 (VCV000706231.34), dbSNP rs765548221, ClinGen allele CA10505323.